The following is an entry in ClinVar:

NM_014334.4(FRRS1L):c.-47_-45CCCGCG[2]GCACCC[1]

Gene: FRRS1L (ferric chelate reductase 1 like; minus strand). Cytogenetic location: 9q31.3.
Variant type: Insertion.
Coding change: c.-47_-45CCCGCG[2]GCACCC[1] on transcript NM_014334.4 (MANE Select).
Molecular consequence: 5 prime UTR variant.
Genome position: GRCh38 VCF-style: chr9-109167182-G-GGGGTGCCGCGGGCGC. GRCh37 (hg19) VCF-style: chr9-111929462-G-GGGGTGCCGCGGGCGC.
Identifiers: ClinVar variation 1001555 (VCV001001555.11), dbSNP rs1831566986, ClinGen allele CA1871457657.
Genomic context (GRCh38, chr9:109,167,182, plus strand): 5'-CGGGGCGGCCGCGCCATCCGTGCGCACAGATCCCGCAGCCAGGCCGCTCGGGCCGCAGCG[G>GGGGTGCCGCGGGCGC]GGGCGCCGCGGGCGCGGGCCGGGACTGAGCCTCCGCCGAGGCCACCAGCACGCGCCCGCG-3'

ClinVar aggregate classification (germline): Uncertain significance (1 of 4 stars; one submission).

Conditions:
Developmental and epileptic encephalopathy, 37 (DEE37). Also called: Epileptic encephalopathy, early infantile, 37. Identifiers: MedGen C4310770, MONDO:0014859, OMIM 616981.

Submission:

Labcorp Genetics (formerly Invitae), Labcorp
Classification: Uncertain significance for Developmental and epileptic encephalopathy, 37. Last evaluated: 2023-12-08. Review status: criteria provided, single submitter. Criteria: Invitae Variant Classification Sherloc (09022015). Collection method: clinical testing. Allele origin: germline.
Comment: This variant, c.109_110insGCGCCCGCGGCACCC, results in the insertion of 5 amino acid(s) of the FRRS1L protein (p.Ala36_Pro37insArgAlaArgGlyThr), but otherwise preserves the integrity of the reading frame. The frequency data for this variant in the population databases is considered unreliable, as metrics indicate insufficient coverage at this position in the gnomAD database. This variant has not been reported in the literature in individuals affected with FRRS1L-related conditions. ClinVar contains an entry for this variant (Variation ID: 1001555). Experimental studies and prediction algorithms are not available or were not evaluated, and the functional significance of this variant is currently unknown. In summary, the available evidence is currently insufficient to determine the role of this variant in disease. Therefore, it has been classified as a Variant of Uncertain Significance.